The following is an entry in ClinVar:

NM_000038.6(APC):c.3040dup (p.Met1014fs)

Gene: APC (APC regulator of Wnt signaling pathway; plus strand). Cytogenetic location: 5q22.2.
Variant type: Duplication.
Coding change: c.3040dup on transcript NM_000038.6 (MANE Select); coding-DNA position 3040, one base duplicated (A; older notation c.3040dupA).
Protein change: p.Met1014fs; shifts the reading frame from methionine 1014.
Molecular consequence: frameshift variant. On other transcripts: non-coding transcript variant (2).
Genome position (GRCh38, 1-based): chr5:112,838,634, A duplicated. VCF-style (leftmost placement, unchanged base first): chr5-112838633-T-TA. GRCh37 (hg19) VCF-style: chr5-112174330-T-TA.
Other names: c.3040dup, p.Met1014fs (NM_001127510.3, NM_001354895.2, NM_001407450.1); c.2986dup, p.Met996fs (NM_001127511.3); c.3094dup, p.Met1032fs (NM_001354896.2, NM_001407447.1, NM_001407448.1 and 1 more transcripts); c.3070dup, p.Met1024fs (NM_001354897.2); c.2965dup, p.Met989fs (NM_001354898.2); c.2956dup, p.Met986fs (NM_001354899.2); c.2917dup, p.Met973fs (NM_001354900.2); c.2863dup, p.Met955fs (NM_001354901.2, NM_001407453.1); and 11 more; short protein forms M1004fs, M1007fs, M1014fs, M1024fs, M1032fs, M1042fs, M630fs, M731fs.
Identifiers: ClinVar variation 2583934 (VCV002583934.1), dbSNP rs2533466759, ClinGen allele CA2582341478.

ClinVar aggregate classification (germline): Pathogenic (1 of 4 stars; one submission).

Conditions:
Familial adenomatous polyposis 1 (FAP1). Also called: FAMILIAL ADENOMATOUS POLYPOSIS 1, ATTENUATED; POLYPOSIS, ADENOMATOUS INTESTINAL. Identifiers: MedGen C2713442, MONDO:0021056, OMIM 175100. Disease mechanism: loss of function.

Submission:

Myriad Genetics, Inc.
Classification: Pathogenic for Familial adenomatous polyposis 1. Last evaluated: 2023-05-05. Review status: criteria provided, single submitter. Criteria: Myriad Autosomal Dominant, Autosomal Recessive and X-Linked Classification Criteria (2023). Collection method: clinical testing. Allele origin: unknown.
Comment: This variant is considered pathogenic. This variant creates a frameshift predicted to result in premature protein truncation.